The following is an entry in ClinVar:

NM_000399.5(EGR2):c.1160C>A (p.Thr387Asn)

Gene: EGR2 (early growth response 2; minus strand). Cytogenetic location: 10q21.3.
Variant type: single nucleotide variant.
Coding change: c.1160C>A on transcript NM_000399.5 (MANE Select); coding-DNA position 1160, C replaced by A.
Protein change: p.Thr387Asn; replaces threonine 387 with asparagine.
Molecular consequence: missense variant.
Genome position (GRCh38, 1-based): chr10:62,813,478, G>T on the plus strand (C>A on the coding strand, the complement: EGR2 is on the minus strand). VCF-style: chr10-62813478-G-T. GRCh37 (hg19) VCF-style: chr10-64573238-G-T.
Other names: c.1160C>A, p.Thr387Asn (NM_001136177.3, NM_001136178.2); c.1010C>A, p.Thr337Asn (NM_001136179.3, NM_001321037.2); short protein forms T387N, T337N.
Identifiers: ClinVar variation 41009 (VCV000041009.13), dbSNP rs281865139, ClinGen allele CA343876.

ClinVar aggregate classification (germline): Uncertain significance. Review status: criteria provided, single submitter (1 of 4 stars). 4 submissions from 4 submitters: Uncertain significance (1). 3 of the submissions do not count toward it. Last evaluated 2025-10-07.

Conditions:
Charcot-Marie-Tooth disease. Also called: Charcot-Marie-Tooth Neuropathy; Charcot-Marie-Tooth Hereditary Neuropathy. Identifiers: Orphanet 166, MedGen C0007959, MONDO:0015626.
Charcot-Marie-Tooth disease, type I (CMT1). Also called: Charcot-Marie-Tooth disease type 1; Charcot-Marie-Tooth, Type 1. Identifiers: Orphanet 65753, MedGen C0751036, MONDO:0019011.
Charcot-Marie-Tooth disease type 1D. Also called: Charcot-Marie-Tooth disease, demyelinating, type 1d; CHARCOT-MARIE-TOOTH NEUROPATHY, TYPE 1D; HEREDITARY MOTOR AND SENSORY NEUROPATHY 1D; HMSN ID. Identifiers: Orphanet 101084, MedGen C1843247, MONDO:0011890, OMIM 607678.

Submissions (4):

Labcorp Genetics (formerly Invitae), Labcorp
Classification: Uncertain significance for Charcot-Marie-Tooth disease, type I. Last evaluated: 2025-10-07. Review status: criteria provided, single submitter. Criteria: Invitae Variant Classification Sherloc (09022015). Collection method: clinical testing. Allele origin: germline.
Comment: This sequence change replaces threonine, which is neutral and polar, with asparagine, which is neutral and polar, at codon 387 of the EGR2 protein (p.Thr387Asn). This variant is not present in population databases (gnomAD no frequency). This missense change has been observed in individual(s) with mild demyelinating Charcot-Marie-Tooth disease (PMID: 22734907). It has also been observed to segregate with disease in related individuals. ClinVar contains an entry for this variant (Variation ID: 41009). Invitae Evidence Modeling of protein sequence and biophysical properties (such as structural, functional, and spatial information, amino acid conservation, physicochemical variation, residue mobility, and thermodynamic stability) indicates that this missense variant is expected to disrupt EGR2 protein function with a positive predictive value of 80%. In summary, the available evidence is currently insufficient to determine the role of this variant in disease. Therefore, it has been classified as a Variant of Uncertain Significance.

Inherited Neuropathy Consortium Ii, University Of Miami
Classification: Uncertain significance for Charcot-Marie-Tooth disease type 1D. Last evaluated: 2016-01-06. Review status: no assertion criteria provided. Collection method: literature only. Allele origin: germline. Affected: yes. Not counted in ClinVar's aggregate classification.

GeneReviews
No classification provided. Condition: Charcot-Marie-Tooth disease type 1D. Review status: no classification provided. Collection method: literature only. Allele origin: unknown. Not counted in ClinVar's aggregate classification.

Inherited Neuropathy Consortium
Classification: Uncertain significance for Charcot-Marie-Tooth disease. Review status: no assertion criteria provided. Collection method: literature only. Allele origin: germline. Affected: yes. Not counted in ClinVar's aggregate classification.

Literature cited by the submitters: PubMed 22734907 (cited by 3 submitters); PubMed 20301384 (cited by GeneReviews); NCBI Bookshelf NBK1205 (cited by GeneReviews).